The following is an entry in ClinVar:

NM_004484.4(GPC3):c.603A>G (p.Ala201=)

Gene: GPC3 (glypican 3; minus strand). Cytogenetic location: Xq26.2.
Variant type: single nucleotide variant.
Coding change: c.603A>G on transcript NM_004484.4 (MANE Select); coding-DNA position 603, A replaced by G.
Protein change: p.Ala201=; no amino-acid change (alanine 201 retained).
Molecular consequence: synonymous variant.
Genome position (GRCh38, 1-based): chrX:133,753,911, T>C on the plus strand (A>G on the coding strand, the complement: GPC3 is on the minus strand). VCF-style: chrX-133753911-T-C. GRCh37 (hg19) VCF-style: chrX-132887938-T-C.
Other names: c.603A>G, p.Ala201= (NM_001164617.2); c.555A>G, p.Ala185= (NM_001164618.2); c.441A>G, p.Ala147= (NM_001164619.2).
Identifiers: ClinVar variation 4084761 (VCV004084761.8).

ClinVar aggregate classification (germline): Likely benign (1 of 4 stars; one submission).

Submission:

CeGaT Center for Human Genetics Tuebingen
Classification: Likely benign. Last evaluated: 2025-08-01. Review status: criteria provided, single submitter. Criteria: CeGaT Center For Human Genetics Tuebingen Variant Classification Criteria Version 2. Collection method: clinical testing. Allele origin: germline. Affected: yes. Observed: 1 variant allele.
Comment: GPC3: PM2:Supporting, BP4, BP7